The following is an entry in ClinVar:

NM_001363711.2(DUOX2):c.956T>C (p.Phe319Ser)

Gene: DUOX2 (dual oxidase 2; minus strand). Cytogenetic location: 15q21.1.
Variant type: single nucleotide variant.
Coding change: c.956T>C on transcript NM_001363711.2 (MANE Select); coding-DNA position 956, T replaced by C.
Protein change: p.Phe319Ser; replaces phenylalanine 319 with serine.
Molecular consequence: missense variant.
Genome position (GRCh38, 1-based): chr15:45,110,512, A>G on the plus strand (T>C on the coding strand, the complement: DUOX2 is on the minus strand). VCF-style: chr15-45110512-A-G. GRCh37 (hg19) VCF-style: chr15-45402710-A-G.
Other names: c.956T>C (NM_014080.4); c.956T>C, p.Phe319Ser (NM_014080.5); short protein forms F319S.
Identifiers: ClinVar variation 1928747 (VCV001928747.4), dbSNP rs1037554590, ClinGen allele CA270132954.
Genomic context (GRCh38, chr15:45,110,512, plus strand): 5'-ATGGTAGAGAAGAACTGCTCAGAGGCCACCACAAATTCCGGGGAGATGCTGGGGTCTAGG[A>G]AAGGACGGTATCCTGCAGGAAGGAGACGGTGATGATGGGGAGACAGGCTTCTTGCCTCCA-3'
Protein context (NP_001350640.1, residues 309-329): TLPEYTGYRP[Phe319Ser]LDPSISPEFV

ClinVar aggregate classification (germline): Uncertain significance. Review status: criteria provided, multiple submitters, no conflicts (2 of 4 stars). 2 submissions from 2 submitters: Uncertain significance (2). Last evaluated 2025-12-13.

Conditions:
Inborn genetic diseases. Identifiers: MedGen C0950123, MeSH D030342.

Allele frequency attached by ClinVar (database versions not stated): TOPMed below 0.00001; gnomAD 0.00001; gnomAD exomes 0.00001.
gnomAD v4.1: 19 of 1,614,006 alleles (0.0012%); highest among the groups gnomAD compares: Non-Finnish European, 0.0015%; no homozygotes.

Submissions (2):

Labcorp Genetics (formerly Invitae), Labcorp
Classification: Uncertain significance. Last evaluated: 2025-12-13. Review status: criteria provided, single submitter. Criteria: Invitae Variant Classification Sherloc (09022015). Collection method: clinical testing. Allele origin: germline.
Comment: This sequence change replaces phenylalanine, which is neutral and non-polar, with serine, which is neutral and polar, at codon 319 of the DUOX2 protein (p.Phe319Ser). This variant is present in population databases (no rsID available, gnomAD 0.0009%). This variant has not been reported in the literature in individuals affected with DUOX2-related conditions. ClinVar contains an entry for this variant (Variation ID: 1928747). Invitae Evidence Modeling of protein sequence and biophysical properties (such as structural, functional, and spatial information, amino acid conservation, physicochemical variation, residue mobility, and thermodynamic stability) indicates that this missense variant is not expected to disrupt DUOX2 protein function with a negative predictive value of 80%. In summary, the available evidence is currently insufficient to determine the role of this variant in disease. Therefore, it has been classified as a Variant of Uncertain Significance.

Ambry Genetics
Classification: Uncertain significance for Inborn genetic diseases. Last evaluated: 2025-12-10. Review status: criteria provided, single submitter. Criteria: Ambry Variant Classification Scheme 2023. Collection method: clinical testing. Allele origin: germline.